The following is an entry in ClinVar:

NM_004770.3(KCNB2):c.2567C>T (p.Pro856Leu)

Gene: KCNB2 (potassium voltage-gated channel subfamily B member 2; plus strand). Cytogenetic location: 8q21.11.
Variant type: single nucleotide variant.
Coding change: c.2567C>T on transcript NM_004770.3 (MANE Select); coding-DNA position 2567, C replaced by T.
Protein change: p.Pro856Leu; replaces proline 856 with leucine.
Molecular consequence: missense variant.
Genome position (GRCh38, 1-based): chr8:72,937,922, C>T. VCF-style: chr8-72937922-C-T. GRCh37 (hg19) VCF-style: chr8-73850157-C-T.
Other names: short protein forms P856L.
Identifiers: ClinVar variation 3050997 (VCV003050997.2), dbSNP rs138896608, ClinGen allele CA4781789.

ClinVar aggregate classification (germline): Likely benign (0 of 4 stars; one submission).

Conditions:
KCNB2-related disorder. Also called: KCNB2-related condition.

Allele frequency attached by ClinVar (database versions not stated): gnomAD exomes 0.00010; ExAC 0.00033; 1000 Genomes Project 0.00060; ESP Exome Variant Server 0.00077; 1000 Genomes Project 30x 0.00078; TOPMed 0.00101.
gnomAD v4.1: 303 of 1,614,036 alleles (0.019%); highest among the groups gnomAD compares: African/African-American, 0.34%; no homozygotes.

Submission:

PreventionGenetics, part of Exact Sciences
Classification: Likely benign for KCNB2-related condition. Last evaluated: 2023-06-14. Review status: no assertion criteria provided. Collection method: clinical testing. Allele origin: germline.
Comment: This variant is classified as likely benign based on ACMG/AMP sequence variant interpretation guidelines (Richards et al. 2015 PMID: 25741868, with internal and published modifications).